The following is an entry in ClinVar:

ClinVar aggregate classification (germline): Uncertain significance. Review status: criteria provided, multiple submitters, no conflicts (2 of 4 stars). 2 submissions from 2 submitters: Uncertain significance (2). Last evaluated 2025-09-14.

Conditions:
Hereditary cancer-predisposing syndrome. Also called: Neoplastic Syndromes, Hereditary; Hereditary Cancer Syndrome; Hereditary neoplastic syndrome; Tumor predisposition. Identifiers: Orphanet 140162, MedGen C0027672, MeSH D009386, MONDO:0015356.
Hereditary breast ovarian cancer syndrome. Also called: BRCA1- and BRCA2-Associated Hereditary Breast and Ovarian Cancer; Hereditary breast and ovarian cancer syndrome; Hereditary breast and ovarian cancer; Hereditary breast and ovarian cancer syndrome (HBOC); Breast and ovarian cancer; Hereditary breast and/or ovarian cancer syndrome. Identifiers: Orphanet 145, MedGen C0677776, MeSH D061325, MONDO:0003582. Disease mechanism: loss of function.

Submissions (2):

Labcorp Genetics (formerly Invitae), Labcorp
Classification: Uncertain significance for Hereditary breast ovarian cancer syndrome. Last evaluated: 2025-09-14. Review status: criteria provided, single submitter. Criteria: Invitae Variant Classification Sherloc (09022015). Collection method: clinical testing. Allele origin: germline.
Comment: This sequence change replaces serine, which is neutral and polar, with phenylalanine, which is neutral and non-polar, at codon 206 of the BRCA2 protein (p.Ser206Phe). This variant is not present in population databases (gnomAD no frequency). This variant has not been reported in the literature in individuals affected with BRCA2-related conditions. ClinVar contains an entry for this variant (Variation ID: 1440199). Invitae Evidence Modeling of protein sequence and biophysical properties (such as structural, functional, and spatial information, amino acid conservation, physicochemical variation, residue mobility, and thermodynamic stability) indicates that this missense variant is not expected to disrupt BRCA2 protein function with a negative predictive value of 95%. Studies have shown that this missense change is associated with inconclusive levels of altered splicing (internal data). In summary, the available evidence is currently insufficient to determine the role of this variant in disease. Therefore, it has been classified as a Variant of Uncertain Significance.

Ambry Genetics
Classification: Uncertain significance for Hereditary cancer-predisposing syndrome. Last evaluated: 2024-10-23. Review status: criteria provided, single submitter. Criteria: Ambry Variant Classification Scheme 2023. Collection method: clinical testing. Allele origin: germline.
Comment: The p.S206F variant (also known as c.617C>T), located in coding exon 6 of the BRCA2 gene, results from a C to T substitution at nucleotide position 617. The serine at codon 206 is replaced by phenylalanine, an amino acid with highly dissimilar properties. This amino acid position is conserved. In addition, this alteration is predicted to be tolerated by in silico analysis. Since supporting evidence is limited at this time, the clinical significance of this alteration remains unclear.

NM_000059.4(BRCA2):c.617C>T (p.Ser206Phe)

Gene: BRCA2 (BRCA2 DNA repair associated; plus strand). Cytogenetic location: 13q13.1.
Variant type: single nucleotide variant.
Coding change: c.617C>T on transcript NM_000059.4 (MANE Select); coding-DNA position 617, C replaced by T.
Protein change: p.Ser206Phe; replaces serine 206 with phenylalanine.
Molecular consequence: missense variant.
Genome position (GRCh38, 1-based): chr13:32,326,599, C>T. VCF-style: chr13-32326599-C-T. GRCh37 (hg19) VCF-style: chr13-32900736-C-T.
Other names: short protein forms S206F.
Identifiers: ClinVar variation 1440199 (VCV001440199.11), dbSNP rs397507832, ClinGen allele CA387758334.